The following is an entry in ClinVar:

NM_006231.4(POLE):c.2377C>T (p.Arg793Cys)

Gene: POLE (DNA polymerase epsilon, catalytic subunit; minus strand). Cytogenetic location: 12q24.33.
Variant type: single nucleotide variant.
Coding change: c.2377C>T on transcript NM_006231.4 (MANE Select); coding-DNA position 2377, C replaced by T.
Protein change: p.Arg793Cys; replaces arginine 793 with cysteine.
Molecular consequence: missense variant.
Genome position (GRCh38, 1-based): chr12:132,665,393, G>A on the plus strand (C>T on the coding strand, the complement: POLE is on the minus strand). VCF-style: chr12-132665393-G-A. GRCh37 (hg19) VCF-style: chr12-133241979-G-A.
Other names: short protein forms R793C.
Identifiers: ClinVar variation 405741 (VCV000405741.57), dbSNP rs376624527, ClinGen allele CA6893576.

ClinVar aggregate classification (germline): Uncertain significance. Review status: criteria provided, multiple submitters, no conflicts (2 of 4 stars). 6 submissions from 6 submitters: Uncertain significance (6). Last evaluated 2026-01-26.

Conditions:
Hereditary cancer-predisposing syndrome. Also called: Neoplastic Syndromes, Hereditary; Hereditary neoplastic syndrome; Tumor predisposition; Hereditary Cancer Syndrome. Identifiers: Orphanet 140162, MedGen C0027672, MeSH D009386, MONDO:0015356.

Allele frequency attached by ClinVar (database versions not stated): ExAC 0.00001; gnomAD 0.00001 and 0.00003; gnomAD exomes 0.00002; TOPMed 0.00004; ESP Exome Variant Server 0.00008; 1000 Genomes Project 30x 0.00016; 1000 Genomes Project 0.00020.
gnomAD v4.1: 38 of 1,613,632 alleles (0.0024%); highest among the groups gnomAD compares: Non-Finnish European, 0.0029%; no homozygotes.

Submissions (6):

Labcorp Genetics (formerly Invitae), Labcorp
Classification: Uncertain significance. Last evaluated: 2026-01-26. Review status: criteria provided, single submitter. Criteria: Invitae Variant Classification Sherloc (09022015). Collection method: clinical testing. Allele origin: germline.
Comment: This sequence change replaces arginine, which is basic and polar, with cysteine, which is neutral and slightly polar, at codon 793 of the POLE protein (p.Arg793Cys). This variant is present in population databases (rs376624527, gnomAD 0.007%). This variant has not been reported in the literature in individuals affected with POLE-related conditions. ClinVar contains an entry for this variant (Variation ID: 405741). Invitae Evidence Modeling of protein sequence and biophysical properties (such as structural, functional, and spatial information, amino acid conservation, physicochemical variation, residue mobility, and thermodynamic stability) indicates that this missense variant is not expected to disrupt POLE protein function with a negative predictive value of 80%. In summary, the available evidence is currently insufficient to determine the role of this variant in disease. Therefore, it has been classified as a Variant of Uncertain Significance.

Women's Health and Genetics/Laboratory Corporation of America, LabCorp
Classification: Uncertain significance. Last evaluated: 2025-06-30. Review status: criteria provided, single submitter. Criteria: LabCorp Variant Classification Summary - May 2015. Collection method: clinical testing. Allele origin: germline.
Comment: Variant summary: POLE c.2377C>T (p.Arg793Cys) results in a non-conservative amino acid change in the encoded protein sequence. Algorithms developed to predict the effect of missense changes on protein structure and function are either unavailable or do not agree on the potential impact of this missense change. The variant allele was found at a frequency of 1.6e-05 in 251020 control chromosomes. The available data on variant occurrences in the general population are insufficient to allow any conclusion about variant significance. To our knowledge, no occurrence of c.2377C>T in individuals affected with Facial Dysmorphism, Immunodeficiency, Livedo, And Short Stature and no experimental evidence demonstrating its impact on protein function have been reported. ClinVar contains an entry for this variant (Variation ID: 405741). Based on the evidence outlined above, the variant was classified as uncertain significance.

Center for Genomic Medicine, Rigshospitalet, Copenhagen University Hospital
Classification: Uncertain significance. Last evaluated: 2025-03-04. Review status: criteria provided, single submitter. Criteria: ACMG Guidelines, 2015. Collection method: clinical testing. Allele origin: germline.

Ambry Genetics
Classification: Uncertain significance for Hereditary cancer-predisposing syndrome. Last evaluated: 2025-01-30. Review status: criteria provided, single submitter. Criteria: Ambry Variant Classification Scheme 2023. Collection method: clinical testing. Allele origin: germline.
Comment: The p.R793C variant (also known as c.2377C>T), located in coding exon 21 of the POLE gene, results from a C to T substitution at nucleotide position 2377. The arginine at codon 793 is replaced by cysteine, an amino acid with highly dissimilar properties. This amino acid position is highly conserved in available vertebrate species. In addition, the in silico prediction for this alteration is inconclusive. Based on the available evidence, the clinical significance of this variant remains unclear.

GeneDx
Classification: Uncertain significance. Last evaluated: 2020-09-22. Review status: criteria provided, single submitter. Criteria: GeneDx Variant Classification Process June 2021. Collection method: clinical testing. Allele origin: germline. Affected: yes.
Comment: Not observed in large population cohorts (Lek 2016); In silico analysis supports that this missense variant does not alter protein structure/function; Has not been previously published as a pathogenic or benign germline variant to our knowledge; This variant is associated with the following publications: (PMID: 27683556)

CeGaT Center for Human Genetics Tuebingen
Classification: Uncertain significance. Last evaluated: 2017-01-01. Review status: criteria provided, single submitter. Criteria: CeGaT Center For Human Genetics Tuebingen Variant Classification Criteria Version 2. Collection method: clinical testing. Allele origin: germline. Affected: yes. Observed: 1 variant allele.